The following is an entry in ClinVar:

ClinVar aggregate classification (germline): Uncertain significance (1 of 4 stars; one submission).

Conditions:
Syndromic multisystem autoimmune disease due to ITCH deficiency. Also called: AUTOIMMUNE DISEASE, MULTISYSTEM, WITH FACIAL DYSMORPHISM. Identifiers: Orphanet 228426, MedGen C3150649, MONDO:0013245, OMIM 613385.

Submission:

Labcorp Genetics (formerly Invitae), Labcorp
Classification: Uncertain significance for Syndromic multisystem autoimmune disease due to ITCH deficiency. Last evaluated: 2021-12-25. Review status: criteria provided, single submitter. Criteria: Invitae Variant Classification Sherloc (09022015). Collection method: clinical testing. Allele origin: germline.
Comment: In summary, the available evidence is currently insufficient to determine the role of this variant in disease. Therefore, it has been classified as a Variant of Uncertain Significance. This sequence change replaces serine, which is neutral and polar, with asparagine, which is neutral and polar, at codon 4 of the ITCH protein (p.Ser4Asn). This variant is not present in population databases (gnomAD no frequency). This variant has not been reported in the literature in individuals affected with ITCH-related conditions. Algorithms developed to predict the effect of missense changes on protein structure and function are either unavailable or do not agree on the potential impact of this missense change (SIFT: "Not Available"; PolyPhen-2: "Benign"; Align-GVGD: "Not Available").

NM_031483.7(ITCH):c.11G>A (p.Ser4Asn)

Gene: ITCH (itchy E3 ubiquitin protein ligase; plus strand). Cytogenetic location: 20q11.22.
Variant type: single nucleotide variant.
Coding change: c.11G>A on transcript NM_031483.7 (MANE Select); coding-DNA position 11, G replaced by A.
Protein change: p.Ser4Asn; replaces serine 4 with asparagine.
Molecular consequence: missense variant. On other transcripts: 5 prime UTR variant (1).
Genome position (GRCh38, 1-based): chr20:34,393,822, G>A. VCF-style: chr20-34393822-G-A. GRCh37 (hg19) VCF-style: chr20-32981628-G-A.
Other names: c.11G>A, p.Ser4Asn (NM_001257137.3, NM_001324197.2, NM_001324198.2); c.-178G>A (NM_001257138.3); short protein forms S4N.
Identifiers: ClinVar variation 2059779 (VCV002059779.4), dbSNP rs2146075914, ClinGen allele CA408660606.